The following is an entry in ClinVar:

ClinVar aggregate classification (germline): Likely benign. Review status: criteria provided, single submitter (1 of 4 stars). 2 submissions from 2 submitters: Likely benign (1). 1 of the submissions does not count toward it. Last evaluated 2025-03-28.

Conditions:
ORC1-related disorder. Also called: ORC1-related condition.

Allele frequency attached by ClinVar (database versions not stated): gnomAD exomes 0.00011; ExAC 0.00013; 1000 Genomes Project 30x 0.00016; 1000 Genomes Project 0.00020; gnomAD 0.00031 and 0.00034; ESP Exome Variant Server 0.00038.
gnomAD v4.1: 80 of 1,613,902 alleles (0.005%); highest among the groups gnomAD compares: African/African-American, 0.099%; no homozygotes.

Submissions (2):

Labcorp Genetics (formerly Invitae), Labcorp
Classification: Likely benign. Last evaluated: 2025-03-28. Review status: criteria provided, single submitter. Criteria: Invitae Variant Classification Sherloc (09022015). Collection method: clinical testing. Allele origin: germline.

PreventionGenetics, part of Exact Sciences
Classification: Likely benign for ORC1-related condition. Last evaluated: 2019-04-30. Review status: no assertion criteria provided. Collection method: clinical testing. Allele origin: germline. Not counted in ClinVar's aggregate classification.
Comment: This variant is classified as likely benign based on ACMG/AMP sequence variant interpretation guidelines (Richards et al. 2015 PMID: 25741868, with internal and published modifications).

NM_004153.4(ORC1):c.1092A>G (p.Lys364=)

Gene: ORC1 (origin recognition complex subunit 1; minus strand). Cytogenetic location: 1p32.3.
Variant type: single nucleotide variant.
Coding change: c.1092A>G on transcript NM_004153.4 (MANE Select); coding-DNA position 1092, A replaced by G.
Protein change: p.Lys364=; no amino-acid change (lysine 364 retained).
Molecular consequence: synonymous variant.
Genome position (GRCh38, 1-based): chr1:52,389,312, T>C on the plus strand (A>G on the coding strand, the complement: ORC1 is on the minus strand). VCF-style: chr1-52389312-T-C. GRCh37 (hg19) VCF-style: chr1-52854984-T-C.
Other names: c.1092A>G, p.Lys364= (NM_001190818.2, NM_001190819.2); c.1092A>G (NM_004153.3).
Identifiers: ClinVar variation 1533610 (VCV001533610.10), dbSNP rs61756134, ClinGen allele CA853432.